The following is an entry in ClinVar:

ClinVar aggregate classification (germline): Conflicting classifications of pathogenicity. Review status: criteria provided, conflicting classifications (1 of 4 stars). 4 submissions from 4 submitters: Pathogenic (1); Likely pathogenic (1); Uncertain significance (2). Last evaluated 2025-10-05.

Conditions:
CYP11B2-related disorder.
Corticosterone 18-monooxygenase deficiency. Also called: ALDOSTERONE DEFICIENCY DUE TO DEFECT IN STEROID 18-HYDROXYLASE; ALDOSTERONE DEFICIENCY I; CMO I DEFICIENCY; STEROID 18-HYDROXYLASE DEFICIENCY; 18 Hydroxylase deficiency; Aldosterone deficiency due to defect in 18 hydroxylase. Identifiers: Orphanet 427, MedGen C0268293, MONDO:0008751, OMIM 203400. Disease mechanism: loss of function.
Corticosterone methyloxidase type 2 deficiency. Also called: 18-OXIDASE DEFICIENCY; ALDOSTERONE DEFICIENCY DUE TO DEFICIENCY OF STEROID 18-OXIDASE; ALDOSTERONE DEFICIENCY II; CMO II DEFICIENCY; STEROID 18-OXIDASE DEFICIENCY. Identifiers: Orphanet 427, MedGen C3463917, MONDO:0012524, OMIM 610600. Disease mechanism: loss of function.

Allele frequency attached by ClinVar (database versions not stated): ExAC 0.00002; gnomAD 0.00003; TOPMed 0.00003.

Submissions (4):

Labcorp Genetics (formerly Invitae), Labcorp
Classification: Uncertain significance. Last evaluated: 2025-10-05. Review status: criteria provided, single submitter. Criteria: Invitae Variant Classification Sherloc (09022015). Collection method: clinical testing. Allele origin: germline.
Comment: This sequence change replaces arginine, which is basic and polar, with glutamine, which is neutral and polar, at codon 181 of the CYP11B2 protein (p.Arg181Gln). This variant is present in population databases (rs779011569, gnomAD 0.008%). This missense change has been observed in individual(s) with clinical features of aldosterone synthase deficiency (PMID: 21237269; internal data). In at least one individual the data is consistent with being in trans (on the opposite chromosome) from a pathogenic variant. ClinVar contains an entry for this variant (Variation ID: 2136712). Invitae Evidence Modeling of protein sequence and biophysical properties (such as structural, functional, and spatial information, amino acid conservation, physicochemical variation, residue mobility, and thermodynamic stability) indicates that this missense variant is not expected to disrupt CYP11B2 protein function with a negative predictive value of 95%. Experimental studies have shown that this missense change affects CYP11B2 function (PMID: 21237269). In summary, the available evidence is currently insufficient to determine the role of this variant in disease. Therefore, it has been classified as a Variant of Uncertain Significance.

Fulgent Genetics
Classification: Likely pathogenic for Corticosterone 18-monooxygenase deficiency; Corticosterone methyloxidase type 2 deficiency. Last evaluated: 2024-04-14. Review status: criteria provided, single submitter. Criteria: ACMG Guidelines, 2015. Collection method: clinical testing. Allele origin: germline.

Clinical Biochemistry Laboratory, Health Services Laboratory
Classification: Pathogenic for CYP11B2-related disorder. Last evaluated: 2023-11-20. Review status: criteria provided, single submitter. Criteria: ACMG Guidelines, 2015. Collection method: clinical testing. Allele origin: germline. Affected: yes.
Comment: ACMG:PS1 PM2 PM3 PM5 PP4

CeGaT Center for Human Genetics Tuebingen
Classification: Uncertain significance. Last evaluated: 2022-05-01. Review status: criteria provided, single submitter. Criteria: CeGaT Center For Human Genetics Tuebingen Variant Classification Criteria Version 2. Collection method: clinical testing. Allele origin: germline. Affected: yes. Observed: 1 variant allele.
Comment: CYP11B2: PM2, BP4

Literature cited by the submitters: PubMed 21237269 (cited by Labcorp Genetics (formerly Invitae), Labcorp).

NM_000498.3(CYP11B2):c.542G>A (p.Arg181Gln)

Genes: CYP11B2 (cytochrome P450 family 11 subfamily B member 2; minus strand), LOC106799834 (CYP11B2 recombination region; plus strand). Cytogenetic location: 8q24.3.
Variant type: single nucleotide variant.
Coding change: c.542G>A on transcript NM_000498.3 (MANE Select); coding-DNA position 542, G replaced by A.
Protein change: p.Arg181Gln; replaces arginine 181 with glutamine.
Molecular consequence: missense variant.
Genome position (GRCh38, 1-based): chr8:142,915,099, C>T on the plus strand (G>A on the coding strand, the complement: CYP11B2 is on the minus strand). VCF-style: chr8-142915099-C-T. GRCh37 (hg19) VCF-style: chr8-143996515-C-T.
Other names: short protein forms R181Q.
Identifiers: ClinVar variation 2136712 (VCV002136712.28), dbSNP rs779011569, ClinGen allele CA4906176.
Genomic context (GRCh38, chr8:142,915,099, plus strand): 5'-CCCACACCTTCTATGGTGTAGTGGAAGATGCTGGGCTGGACGTCCAGGGTCAGGCTCCCC[C>T]GGGCGTTCTGCAGCACCTTCTTCTTCAGGGCCTGGGAGAAGTCCCTGGCCACTGCATCCA-3'
Protein context (NP_000489.3, residues 171-191): ALKKKVLQNA[Arg181Gln]GSLTLDVQPS